The following is an entry in ClinVar:

NM_001365951.3(KIF1B):c.137C>T (p.Ala46Val)

Gene: KIF1B (kinesin family member 1B; plus strand). Cytogenetic location: 1p36.22.
Variant type: single nucleotide variant.
Coding change: c.137C>T on transcript NM_001365951.3 (MANE Select); coding-DNA position 137, C replaced by T.
Protein change: p.Ala46Val; replaces alanine 46 with valine.
Molecular consequence: missense variant.
Genome position (GRCh38, 1-based): chr1:10,256,277, C>T. VCF-style: chr1-10256277-C-T. GRCh37 (hg19) VCF-style: chr1-10316335-C-T.
Other names: c.137C>T, p.Ala46Val (NM_001365952.1, NM_001365953.1, NM_015074.3 and 1 more transcripts); short protein forms A46V.
Identifiers: ClinVar variation 476777 (VCV000476777.12), dbSNP rs770626277, ClinGen allele CA580621.
Genomic context (GRCh38, chr1:10,256,277, plus strand): 5'-CTTATAAAATGAAACATTTTTATCTTCTAGGTATTATTAACCCAAAGAATCCAAAGGAAG[C>T]TCCAAAGTCCTTCAGCTTCGACTATTCCTACTGGTCTCATACCTCAGTGAGTACCCTCAT-3'
Protein context (NP_001352880.1, residues 36-56): SIINPKNPKE[Ala46Val]PKSFSFDYSY

ClinVar aggregate classification (germline): Uncertain significance. Review status: criteria provided, multiple submitters, no conflicts (2 of 4 stars). 2 submissions from 2 submitters: Uncertain significance (2). Last evaluated 2025-08-24.

Conditions:
Charcot-Marie-Tooth disease type 2. Also called: Charcot-Marie-Tooth type 2. Identifiers: Orphanet 64746, MedGen C0270914, MONDO:0018993.

Allele frequency attached by ClinVar (database versions not stated): ExAC 0.00002.
gnomAD v4.1: 6 of 1,612,074 alleles (0.00037%); highest among the groups gnomAD compares: South Asian, 0.0066%; no homozygotes.

Submissions (2):

Labcorp Genetics (formerly Invitae), Labcorp
Classification: Uncertain significance for Charcot-Marie-Tooth disease type 2. Last evaluated: 2025-08-24. Review status: criteria provided, single submitter. Criteria: Invitae Variant Classification Sherloc (09022015). Collection method: clinical testing. Allele origin: germline.
Comment: This sequence change replaces alanine, which is neutral and non-polar, with valine, which is neutral and non-polar, at codon 46 of the KIF1B protein (p.Ala46Val). This variant is present in population databases (rs770626277, gnomAD 0.006%). This variant has not been reported in the literature in individuals affected with KIF1B-related conditions. ClinVar contains an entry for this variant (Variation ID: 476777). Invitae Evidence Modeling of protein sequence and biophysical properties (such as structural, functional, and spatial information, amino acid conservation, physicochemical variation, residue mobility, and thermodynamic stability) indicates that this missense variant is not expected to disrupt KIF1B protein function with a negative predictive value of 80%. In summary, the available evidence is currently insufficient to determine the role of this variant in disease. Therefore, it has been classified as a Variant of Uncertain Significance.

Ambry Genetics
Classification: Uncertain significance. Last evaluated: 2024-10-08. Review status: criteria provided, single submitter. Criteria: Ambry Variant Classification Scheme 2023. Collection method: clinical testing. Allele origin: germline.
Comment: The p.A46V variant (also known as c.137C>T), located in coding exon 2 of the KIF1B gene, results from a C to T substitution at nucleotide position 137. The alanine at codon 46 is replaced by valine, an amino acid with similar properties. This amino acid position is well conserved in available vertebrate species. In addition, this alteration is predicted to be tolerated by in silico analysis. Since supporting evidence is limited at this time, the clinical significance of this alteration remains unclear.